The following is an entry in ClinVar:

ClinVar aggregate classification (germline): Likely pathogenic (1 of 4 stars; one submission).

Submission:

GeneDx
Classification: Likely pathogenic. Last evaluated: 2026-10-15. Review status: criteria provided, single submitter. Criteria: GeneDx Variant Classification Process June 2021. Collection method: clinical testing. Allele origin: germline.
Comment: Reported in the published literature as a de novo variant in a proband with developmental delay; however, this proband also harbors a maternally inherited frameshift variant (Gozes et al., 2025); Frameshift variant predicted to result in abnormal protein length as the last 373 amino acid(s) are replaced with 4 different amino acid(s), and other similar variants have been reported in HGMD; Not observed at significant frequency in large population cohorts (gnomAD); This variant is associated with the following publications: (PMID: Gozes2025[casereport])

NM_001282531.3(ADNP):c.2187dup (p.Arg730fs)

Gene: ADNP (activity dependent neuroprotector homeobox; minus strand). Cytogenetic location: 20q13.13.
Variant type: Duplication.
Coding change: c.2187dup on transcript NM_001282531.3 (MANE Select); coding-DNA position 2187, one base duplicated (A; older notation c.2187dupA).
Protein change: p.Arg730fs; shifts the reading frame from arginine 730.
Molecular consequence: frameshift variant.
Genome position (GRCh38, 1-based): chr20:50,892,527, T duplicated on the plus strand (A on the coding strand, the reverse complement: ADNP is on the minus strand); the first of 6 consecutive T bases (chr20:50,892,527-50,892,532); duplicating any one gives the same sequence. VCF-style (leftmost placement, unchanged base first): chr20-50892526-G-GT. GRCh37 (hg19) VCF-style: chr20-49509063-G-GT.
Other names: c.2187dupA (NM_015339.2); c.2187dup, p.Arg730fs (NM_001282532.2, NM_001347511.2, NM_015339.5 and 1 more transcripts); c.2187dup (NM_015339.2); short protein forms R730fs.
Identifiers: ClinVar variation 504292 (VCV000504292.4), dbSNP rs1555809987, ClinGen allele CA658799378.